The following is an entry in ClinVar:

ClinVar aggregate classification (germline): Conflicting classifications of pathogenicity. Review status: criteria provided, conflicting classifications (1 of 4 stars). 4 submissions from 4 submitters: Uncertain significance (3); Likely benign (1). Last evaluated 2025-10-27.

Conditions:
Primary ciliary dyskinesia. Also called: Ciliary dyskinesia. Identifiers: Orphanet 244, MedGen C0008780, MONDO:0016575, HP:0012265.
Primary ciliary dyskinesia 15. Also called: CILIARY DYSKINESIA, PRIMARY, 15, WITH OR WITHOUT SITUS INVERSUS. Identifiers: Orphanet 244, MedGen C3151137, MONDO:0013435, OMIM 613808.

Allele frequency attached by ClinVar (database versions not stated): gnomAD exomes 0.00016 and 0.00020; gnomAD 0.00020 and 0.00021; ExAC 0.00022; TOPMed 0.00029; ESP Exome Variant Server 0.00048.
gnomAD v4.1: 263 of 1,613,652 alleles (0.016%); highest among the groups gnomAD compares: Middle Eastern, 0.066%; 1 homozygote.

Submissions (4):

Labcorp Genetics (formerly Invitae), Labcorp
Classification: Likely benign for Primary ciliary dyskinesia. Last evaluated: 2025-10-27. Review status: criteria provided, single submitter. Criteria: Invitae Variant Classification Sherloc (09022015). Collection method: clinical testing. Allele origin: germline.

Blueprint Genetics
Classification: Uncertain significance. Last evaluated: 2024-10-28. Review status: criteria provided, single submitter. Criteria: ACMG Guidelines, 2015. Collection method: clinical testing. Allele origin: germline.

Illumina Laboratory Services, Illumina
Classification: Uncertain significance for Primary ciliary dyskinesia 15. Last evaluated: 2018-01-13. Review status: criteria provided, single submitter. Criteria: ICSL Variant Classification Criteria 13 December 2019. Collection method: clinical testing. Allele origin: germline.

Ambry Genetics
Classification: Uncertain significance for Primary ciliary dyskinesia. Last evaluated: 2016-08-16. Review status: criteria provided, single submitter. Criteria: Ambry Variant Classification Scheme 2023. Collection method: clinical testing. Allele origin: germline.
Comment: The p.E743D variant (also known as c.2229G>C), located in coding exon 13 of the CCDC40 gene, results from a G to C substitution at nucleotide position 2229. The glutamic acid at codon 743 is replaced by aspartic acid, an amino acid with highly similar properties. This variant was previously reported in the SNPDatabase as rs377219039. Based on data from the NHLBI Exome Sequencing Project (ESP), the C allele has an overall frequency of approximately 0.05% (6/12374) total alleles studied and 0.07% (6/8350) European American alleles. This amino acid position is not well conserved in available vertebrate species. In addition, this alteration is predicted to be tolerated by in silico analysis. Since supporting evidence is limited at this time, the clinical significance of this variant remains unclear.

NM_017950.4(CCDC40):c.2229G>C (p.Glu743Asp)

Gene: CCDC40 (coiled-coil domain 40 molecular ruler complex subunit; plus strand). Cytogenetic location: 17q25.3.
Variant type: single nucleotide variant.
Coding change: c.2229G>C on transcript NM_017950.4 (MANE Select); coding-DNA position 2229, G replaced by C.
Protein change: p.Glu743Asp; replaces glutamic acid 743 with aspartic acid.
Molecular consequence: missense variant.
Genome position (GRCh38, 1-based): chr17:80,084,982, G>C. VCF-style: chr17-80084982-G-C. GRCh37 (hg19) VCF-style: chr17-78058781-G-C.
Other names: c.2229G>C, p.Glu743Asp (NM_001243342.2); short protein forms E743D.
Identifiers: ClinVar variation 696339 (VCV000696339.17), dbSNP rs377219039, ClinGen allele CA8814136.